The following is an entry in ClinVar:

ClinVar aggregate classification (germline): Uncertain significance. Review status: criteria provided, multiple submitters, no conflicts (2 of 4 stars). 3 submissions from 3 submitters: Uncertain significance (3). Last evaluated 2026-06-23.

Conditions:
Inborn genetic diseases. Identifiers: MedGen C0950123, MeSH D030342.

Allele frequency attached by ClinVar (database versions not stated): TOPMed 0.00001; gnomAD 0.00003 and 0.00004; gnomAD exomes 0.00006 and 0.00004; ExAC 0.00008.

Submissions (3):

GeneDx
Classification: Uncertain significance. Last evaluated: 2026-06-23. Review status: criteria provided, single submitter. Criteria: GeneDx Variant Classification Process June 2021. Collection method: clinical testing. Allele origin: germline.
Comment: In silico analysis supports that this missense variant has a deleterious effect on protein structure/function; This variant is associated with the following publications: (PMID: 31069529)

Ambry Genetics
Classification: Uncertain significance for Inborn genetic diseases. Last evaluated: 2025-04-22. Review status: criteria provided, single submitter. Criteria: Ambry Variant Classification Scheme 2023. Collection method: clinical testing. Allele origin: germline.

Labcorp Genetics (formerly Invitae), Labcorp
Classification: Uncertain significance. Last evaluated: 2023-09-21. Review status: criteria provided, single submitter. Criteria: Invitae Variant Classification Sherloc (09022015). Collection method: clinical testing. Allele origin: germline.
Comment: This sequence change replaces alanine, which is neutral and non-polar, with threonine, which is neutral and polar, at codon 1714 of the TUBGCP6 protein (p.Ala1714Thr). This variant is present in population databases (rs748135189, gnomAD 0.03%). This missense change has been observed in individual(s) with epilepsy (PMID: 31069529). ClinVar contains an entry for this variant (Variation ID: 444002). An algorithm developed to predict the effect of missense changes on protein structure and function (PolyPhen-2) suggests that this variant is likely to be disruptive. In summary, the available evidence is currently insufficient to determine the role of this variant in disease. Therefore, it has been classified as a Variant of Uncertain Significance.

Literature cited by the submitters: PubMed 31069529 (cited by Ambry Genetics and Labcorp Genetics (formerly Invitae), Labcorp).

NM_020461.4(TUBGCP6):c.5140G>A (p.Ala1714Thr)

Gene: TUBGCP6 (tubulin gamma complex component 6; minus strand). Cytogenetic location: 22q13.33.
Variant type: single nucleotide variant.
Coding change: c.5140G>A on transcript NM_020461.4 (MANE Select); coding-DNA position 5140, G replaced by A.
Protein change: p.Ala1714Thr; replaces alanine 1714 with threonine.
Molecular consequence: missense variant.
Genome position (GRCh38, 1-based): chr22:50,218,217, C>T on the plus strand (G>A on the coding strand, the complement: TUBGCP6 is on the minus strand). VCF-style: chr22-50218217-C-T. GRCh37 (hg19) VCF-style: chr22-50656646-C-T.
Other names: short protein forms A1714T.
Identifiers: ClinVar variation 444002 (VCV000444002.10), dbSNP rs748135189, ClinGen allele CA10307162.
Genomic context (GRCh38, chr22:50,218,217, plus strand): 5'-CCACAGGGACGCAGCCGCTGCCCAGGCCTCACCTGAAGACGGCCTTGTGCAGGTACTCTG[C>T]GTGCGCACGCTGGATCTCCTCCAGGTCGCCCACGGTGGCCAACCTGGCCCTGAACTCGCA-3'
Protein context (NP_065194.3, residues 1704-1724): GDLEEIQRAH[Ala1714Thr]EYLHKAVFRG